The following is an entry in ClinVar:

ClinVar aggregate classification (germline): Uncertain significance (1 of 4 stars; one submission).

Submission:

Ambry Genetics
Classification: Uncertain significance. Last evaluated: 2025-05-29. Review status: criteria provided, single submitter. Criteria: Ambry Variant Classification Scheme 2023. Collection method: clinical testing. Allele origin: germline.
Comment: The p.K422R variant (also known as c.1265A>G), located in coding exon 6 of the GFI1 gene, results from an A to G substitution at nucleotide position 1265. The lysine at codon 422 is replaced by arginine, an amino acid with highly similar properties. This amino acid position is conserved. In addition, this alteration is predicted to be tolerated by in silico analysis. Based on the available evidence, the clinical significance of this variant remains unclear.

NM_005263.5(GFI1):c.1265A>G (p.Lys422Arg)

Gene: GFI1 (growth factor independent 1 transcriptional repressor; minus strand). Cytogenetic location: 1p22.1.
Variant type: single nucleotide variant.
Coding change: c.1265A>G on transcript NM_005263.5 (MANE Select); coding-DNA position 1265, A replaced by G.
Protein change: p.Lys422Arg; replaces lysine 422 with arginine.
Molecular consequence: missense variant.
Genome position (GRCh38, 1-based): chr1:92,476,033, T>C on the plus strand (A>G on the coding strand, the complement: GFI1 is on the minus strand). VCF-style: chr1-92476033-T-C. GRCh37 (hg19) VCF-style: chr1-92941590-T-C.
Other names: c.1265A>G, p.Lys422Arg (NM_001127215.3, NM_001127216.3); short protein forms K422R.
Identifiers: ClinVar variation 4029439 (VCV004029439.1).